The following is an entry in ClinVar:

NM_007075.4(WDR45):c.-363A>T

Genes: WDR45 (WD repeat domain 45; minus strand), LOC130068274 (ATAC-STARR-seq lymphoblastoid active region 29628; plus strand). Cytogenetic location: Xp11.23.
Variant type: single nucleotide variant.
Coding change: c.-363A>T on transcript NM_007075.4; 363 bases upstream of the start codon, A replaced by T.
Molecular consequence: 5 prime UTR variant.
Genome position (GRCh38, 1-based): chrX:49,100,550, T>A on the plus strand (A>T on the coding strand, the complement: WDR45 is on the minus strand). VCF-style: chrX-49100550-T-A. GRCh37 (hg19) VCF-style: chrX-48957488-T-A.
Identifiers: ClinVar variation 389342 (VCV000389342.3), dbSNP rs1057523405, ClinGen allele CA16608883.

ClinVar aggregate classification (germline): Likely benign (1 of 4 stars; one submission).

Allele frequency attached by ClinVar (database versions not stated): TOPMed below 0.00001.

Submission:

GeneDx
Classification: Likely benign. Last evaluated: 2016-09-19. Review status: criteria provided, single submitter. Criteria: GeneDx Variant Classification (06012015). Collection method: clinical testing. Allele origin: germline. Affected: yes.
Comment: This variant is considered likely benign or benign based on one or more of the following criteria: it is a conservative change, it occurs at a poorly conserved position in the protein, it is predicted to be benign by multiple in silico algorithms, and/or has population frequency not consistent with disease.